The following is an entry in ClinVar:

NM_020778.5(ALPK3):c.3037C>T (p.Arg1013Cys)

Gene: ALPK3 (alpha kinase 3; plus strand). Cytogenetic location: 15q25.3.
Variant type: single nucleotide variant.
Coding change: c.3037C>T on transcript NM_020778.5 (MANE Select); coding-DNA position 3037, C replaced by T.
Protein change: p.Arg1013Cys; replaces arginine 1013 with cysteine.
Molecular consequence: missense variant.
Genome position (GRCh38, 1-based): chr15:84,857,775, C>T. VCF-style: chr15-84857775-C-T. GRCh37 (hg19) VCF-style: chr15-85401006-C-T.
Other names: short protein forms R1013C.
Identifiers: ClinVar variation 1175028 (VCV001175028.16), dbSNP rs142109538, ClinGen allele CA7709544.

ClinVar aggregate classification (germline): Conflicting classifications of pathogenicity. Review status: criteria provided, conflicting classifications (1 of 4 stars). 7 submissions from 7 submitters: Uncertain significance (4); Likely benign (1). 2 of the submissions do not count toward it. Last evaluated 2025-12-20.

Conditions:
Cardiovascular phenotype. Identifiers: MedGen CN230736.

Allele frequency attached by ClinVar (database versions not stated): ExAC 0.00005; ESP Exome Variant Server 0.00008; 1000 Genomes Project 30x 0.00031; 1000 Genomes Project 0.00040.

Submissions (7):

Labcorp Genetics (formerly Invitae), Labcorp
Classification: Uncertain significance. Last evaluated: 2025-12-20. Review status: criteria provided, single submitter. Criteria: Invitae Variant Classification Sherloc (09022015). Collection method: clinical testing. Allele origin: germline.
Comment: This sequence change replaces arginine, which is basic and polar, with cysteine, which is neutral and slightly polar, at codon 1215 of the ALPK3 protein (p.Arg1215Cys). This variant is present in population databases (rs142109538, gnomAD 0.01%). This missense change has been observed in individual(s) with clinical features of ALPK3-related conditions (PMID: 32480058). ClinVar contains an entry for this variant (Variation ID: 1175028). Invitae Evidence Modeling of protein sequence and biophysical properties (such as structural, functional, and spatial information, amino acid conservation, physicochemical variation, residue mobility, and thermodynamic stability) indicates that this missense variant is expected to disrupt ALPK3 protein function with a positive predictive value of 80%. In summary, the available evidence is currently insufficient to determine the role of this variant in disease. Therefore, it has been classified as a Variant of Uncertain Significance.

Molecular Diagnostic Laboratory for Inherited Cardiovascular Disease, Montreal Heart Institute
Classification: Uncertain significance for Cardiovascular phenotype. Last evaluated: 2025-04-09. Review status: criteria provided, single submitter. Criteria: ACMG Guidelines, 2015. Collection method: clinical testing. Allele origin: germline. Affected: yes.

Ambry Genetics
Classification: Uncertain significance for Cardiovascular phenotype. Last evaluated: 2025-01-06. Review status: criteria provided, single submitter. Criteria: Ambry Variant Classification Scheme 2023. Collection method: clinical testing. Allele origin: germline.
Comment: The p.R1215C variant (also known as c.3643C>T), located in coding exon 6 of the ALPK3 gene, results from a C to T substitution at nucleotide position 3643. The arginine at codon 1215 is replaced by cysteine, an amino acid with highly dissimilar properties. This alteration has been reported in a cardiomyopathy cohort (Herkert JC et al. Am Heart J, 2020 07;225:108-119). This amino acid position is not well conserved in available vertebrate species. In addition, the in silico prediction for this alteration is inconclusive. Since supporting evidence is limited at this time, the clinical significance of this alteration remains unclear.

GeneDx
Classification: Uncertain significance. Last evaluated: 2024-06-12. Review status: criteria provided, single submitter. Criteria: GeneDx Variant Classification Process June 2021. Collection method: clinical testing. Allele origin: germline. Affected: yes.
Comment: Also known as p.R1215C; In silico analysis supports that this missense variant has a deleterious effect on protein structure/function; This variant is associated with the following publications: (PMID: 32480058)

Blueprint Genetics
Classification: Likely benign. Last evaluated: 2024-06-06. Review status: criteria provided, single submitter. Criteria: ACMG Guidelines, 2015. Collection method: clinical testing. Allele origin: germline.

Clinical Genetics DNA and cytogenetics Diagnostics Lab, Erasmus MC, Erasmus Medical Center
Classification: Uncertain significance. Review status: no assertion criteria provided. Collection method: clinical testing. Allele origin: germline. Affected: yes. Study: VKGL Data-share Consensus. Not counted in ClinVar's aggregate classification.

Diagnostic Laboratory, Department of Genetics, University Medical Center Groningen
Classification: Uncertain significance. Review status: no assertion criteria provided. Collection method: clinical testing. Allele origin: germline. Affected: yes. Study: VKGL Data-share Consensus. Not counted in ClinVar's aggregate classification.

Literature cited by the submitters: PubMed 32480058 (cited by Labcorp Genetics (formerly Invitae), Labcorp and Ambry Genetics).